The following is an entry in ClinVar:

NM_001376.5(DYNC1H1):c.10968_10969del (p.Gly3658fs)

Gene: DYNC1H1 (dynein cytoplasmic 1 heavy chain 1; plus strand). Cytogenetic location: 14q32.31.
Variant type: Deletion.
Coding change: c.10968_10969del on transcript NM_001376.5 (MANE Select); coding-DNA positions 10968 to 10969, 2 bases deleted (AG; older notation c.10968_10969delAG).
Protein change: p.Gly3658fs; shifts the reading frame from glycine 3658.
Molecular consequence: frameshift variant.
Genome position (GRCh38, 1-based): chr14:102,038,519-102,038,520, AG deleted. VCF-style (leftmost placement, unchanged base first): chr14-102038518-CAG-C. GRCh37 (hg19) VCF-style: chr14-102504855-CAG-C.
Other names: c.10968_10969del (NM_001376.4); short protein forms G3658fs.
Identifiers: ClinVar variation 1986667 (VCV001986667.15), dbSNP rs1567020949, ClinGen allele CA919493891.
Genomic context (GRCh38, chr14:102,038,518, plus strand): 5'-AGGATGTGGAAAGCTACGATCCAGTTTTGAACCCGGTGCTGAACCGTGAAGTGCGGCGAA[CAG>C]GGGGGAGAGTGCTGATCACTCTCGGGGACCAGGACATAGACCTGTCGCCATCGTTTGTCA-3'

ClinVar aggregate classification (germline): Conflicting classifications of pathogenicity. Review status: criteria provided, conflicting classifications (1 of 4 stars). 4 submissions from 4 submitters: Likely pathogenic (1); Uncertain significance (3). Last evaluated 2026-01-13.

Conditions:
Charcot-Marie-Tooth disease axonal type 2O. Also called: Charcot-Marie-Tooth disease, axonal, type 20; CHARCOT-MARIE-TOOTH NEUROPATHY, AXONAL, TYPE 2O; CHARCOT-MARIE-TOOTH DISEASE, AXONAL, AUTOSOMAL DOMINANT, TYPE 2O; Charcot-Marie-Tooth Neuropathy Type 2O. Identifiers: Orphanet 284232, MedGen C3280220, MONDO:0013644, OMIM 614228.
Cortical dysplasia, complex, with other brain malformations 13. Also called: Intellectual disability, autosomal dominant 13. Identifiers: MedGen C3281202, MONDO:0013805, OMIM 614563.

Allele frequency attached by ClinVar (database versions not stated): gnomAD exomes below 0.00001.

Submissions (4):

GeneDx
Classification: Uncertain significance. Last evaluated: 2026-01-13. Review status: criteria provided, single submitter. Criteria: GeneDx Variant Classification Process June 2021. Collection method: clinical testing. Allele origin: germline.
Comment: Reported as an inherited variant in an individual from a cohort of patients with autism (PMID: 38958063); Frameshift variant predicted to result in protein truncation or nonsense mediated decay in a gene for which loss of function is a known mechanism of disease; This variant is associated with the following publications: (PMID: 38958063)

CeGaT Center for Human Genetics Tuebingen
Classification: Uncertain significance. Last evaluated: 2025-07-01. Review status: criteria provided, single submitter. Criteria: CeGaT Center For Human Genetics Tuebingen Variant Classification Criteria Version 2. Collection method: clinical testing. Allele origin: germline. Affected: yes. Observed: 1 variant allele.
Comment: DYNC1H1: PVS1:Moderate

Genomic Medicine Center of Excellence, King Faisal Specialist Hospital and Research Centre
Classification: Likely pathogenic for Cortical dysplasia, complex, with other brain malformations 13. Last evaluated: 2024-09-22. Review status: criteria provided, single submitter. Criteria: ACMG Guidelines, 2015. Collection method: clinical testing. Allele origin: germline.

Labcorp Genetics (formerly Invitae), Labcorp
Classification: Uncertain significance for Charcot-Marie-Tooth disease axonal type 2O. Last evaluated: 2023-06-27. Review status: criteria provided, single submitter. Criteria: Invitae Variant Classification Sherloc (09022015). Collection method: clinical testing. Allele origin: germline.
Comment: This sequence change creates a premature translational stop signal (p.Gly3658Glufs*48) in the DYNC1H1 gene. It is expected to result in an absent or disrupted protein product. However, the current clinical and genetic evidence is not sufficient to establish whether loss-of-function variants in DYNC1H1 cause disease. This variant is not present in population databases (gnomAD no frequency). This variant has not been reported in the literature in individuals affected with DYNC1H1-related conditions. ClinVar contains an entry for this variant (Variation ID: 1986667). In summary, the available evidence is currently insufficient to determine the role of this variant in disease. Therefore, it has been classified as a Variant of Uncertain Significance.